The following is an entry in ClinVar:

ClinVar aggregate classification (germline): Uncertain significance (1 of 4 stars; one submission).

gnomAD v4.1: 39 of 1,589,606 alleles (0.0025%); highest among the groups gnomAD compares: Non-Finnish European, 0.0033%; no homozygotes.

Submission:

Labcorp Genetics (formerly Invitae), Labcorp
Classification: Uncertain significance. Last evaluated: 2025-04-26. Review status: criteria provided, single submitter. Criteria: Invitae Variant Classification Sherloc (09022015). Collection method: clinical testing. Allele origin: germline.
Comment: This sequence change replaces arginine, which is basic and polar, with tryptophan, which is neutral and slightly polar, at codon 158 of the GSC protein (p.Arg158Trp). This variant is present in population databases (rs765088049, gnomAD 0.007%). This variant has not been reported in the literature in individuals affected with GSC-related conditions. An algorithm developed to predict the effect of missense changes on protein structure and function (PolyPhen-2) suggests that this variant is likely to be disruptive. In summary, the available evidence is currently insufficient to determine the role of this variant in disease. Therefore, it has been classified as a Variant of Uncertain Significance.

NM_173849.3(GSC):c.472C>T (p.Arg158Trp)

Gene: GSC (goosecoid homeobox; minus strand). Cytogenetic location: 14q32.13.
Variant type: single nucleotide variant.
Coding change: c.472C>T on transcript NM_173849.3 (MANE Select); coding-DNA position 472, C replaced by T.
Protein change: p.Arg158Trp; replaces arginine 158 with tryptophan.
Molecular consequence: missense variant.
Genome position (GRCh38, 1-based): chr14:94,769,101, G>A on the plus strand (C>T on the coding strand, the complement: GSC is on the minus strand). VCF-style: chr14-94769101-G-A. GRCh37 (hg19) VCF-style: chr14-95235438-G-A.
Other names: short protein forms R158W.
Identifiers: ClinVar variation 4753253 (VCV004753253.1).